The following is an entry in ClinVar:

NM_005026.5(PIK3CD):c.674C>T (p.Ala225Val)

Gene: PIK3CD (phosphatidylinositol-4,5-bisphosphate 3-kinase catalytic subunit delta; plus strand). Cytogenetic location: 1p36.22.
Variant type: single nucleotide variant.
Coding change: c.674C>T on transcript NM_005026.5 (MANE Select); coding-DNA position 674, C replaced by T.
Protein change: p.Ala225Val; replaces alanine 225 with valine.
Molecular consequence: missense variant.
Genome position (GRCh38, 1-based): chr1:9,716,513, C>T. VCF-style: chr1-9716513-C-T. GRCh37 (hg19) VCF-style: chr1-9776571-C-T.
Other names: c.674C>T, p.Ala225Val (NM_001350234.2, NM_001350235.1, NM_001437546.1 and 3 more transcripts); short protein forms A225V.
Identifiers: ClinVar variation 4740991 (VCV004740991.1).

ClinVar aggregate classification (germline): Uncertain significance (1 of 4 stars; one submission).

Conditions:
Immunodeficiency 14 (IMD14A). Also called: p110-DELTA-ACTIVATING MUTATION CAUSING SENESCENT T CELLS, LYMPHADENOPATHY, AND IMMUNODEFICIENCY; ACTIVATED PI3K-DELTA SYNDROME 1; Activated PI3K Delta Syndrome Type 1 (APDS1); IMMUNODEFICIENCY 14A WITH LYMPHOPROLIFERATION, AUTOSOMAL DOMINANT. Identifiers: Orphanet 397596, Orphanet 693661, MedGen C5907821, MONDO:0014222, OMIM 615513.

Submission:

Labcorp Genetics (formerly Invitae), Labcorp
Classification: Uncertain significance for Activated PI3K-delta syndrome. Last evaluated: 2025-05-27. Review status: criteria provided, single submitter. Criteria: Invitae Variant Classification Sherloc (09022015). Collection method: clinical testing. Allele origin: germline.
Comment: This sequence change replaces alanine, which is neutral and non-polar, with valine, which is neutral and non-polar, at codon 225 of the PIK3CD protein (p.Ala225Val). This variant is not present in population databases (gnomAD no frequency). This variant has not been reported in the literature in individuals affected with PIK3CD-related conditions. Invitae Evidence Modeling of protein sequence and biophysical properties (such as structural, functional, and spatial information, amino acid conservation, physicochemical variation, residue mobility, and thermodynamic stability) indicates that this missense variant is not expected to disrupt PIK3CD protein function with a negative predictive value of 80%. In summary, the available evidence is currently insufficient to determine the role of this variant in disease. Therefore, it has been classified as a Variant of Uncertain Significance.